The following is an entry in ClinVar:

NM_203447.4(DOCK8):c.2302G>T (p.Ala768Ser)

Gene: DOCK8 (dedicator of cytokinesis 8; plus strand). Cytogenetic location: 9p24.3.
Variant type: single nucleotide variant.
Coding change: c.2302G>T on transcript NM_203447.4 (MANE Select); coding-DNA position 2302, G replaced by T.
Protein change: p.Ala768Ser; replaces alanine 768 with serine.
Molecular consequence: missense variant.
Genome position (GRCh38, 1-based): chr9:377,073, G>T. VCF-style: chr9-377073-G-T. GRCh37 (hg19) VCF-style: chr9-377073-G-T.
Other names: c.2098G>T, p.Ala700Ser (NM_001190458.2, NM_001193536.2); c.2302G>T (NM_203447.3); short protein forms A768S, A700S.
Identifiers: ClinVar variation 1419869 (VCV001419869.9), dbSNP rs776173320, ClinGen allele CA4958159.
Genomic context (GRCh38, chr9:377,073, plus strand): 5'-TCCCTGGAGAGCCAGGTGACCTTCCCCATCCGCGTGCTGGATCAGAAAATCAGCGAGATG[G>T]CGCTGGAGCATGAGCTGAAGCTCAGCATCATCTGCCTGAACTCCTCCCGCCTGGAGCCGC-3'
Protein context (NP_982272.2, residues 758-778): RVLDQKISEM[Ala768Ser]LEHELKLSII

ClinVar aggregate classification (germline): Uncertain significance. Review status: criteria provided, single submitter (1 of 4 stars). 2 submissions from 2 submitters: Uncertain significance (1). 1 of the submissions does not count toward it. Last evaluated 2022-09-01.

Conditions:
DOCK8-related disorder. Also called: DOCK8-related condition.
Combined immunodeficiency due to DOCK8 deficiency (HIES2). Also called: Hyper-IgE recurrent infection syndrome, autosomal recessive; DOCK8 Deficiency; HYPER-IgE RECURRENT INFECTION SYNDROME 2, AUTOSOMAL RECESSIVE; HIES autosomal recessive; HYPER-IgE SYNDROME 2, AUTOSOMAL RECESSIVE, WITH RECURRENT INFECTIONS. Identifiers: Orphanet 217390, MedGen C4722305, MONDO:0009478, OMIM 243700.

Allele frequency attached by ClinVar (database versions not stated): gnomAD 0.00001; ExAC 0.00004.
gnomAD v4.1: 19 of 1,613,210 alleles (0.0012%); highest among the groups gnomAD compares: South Asian, 0.021%; no homozygotes.

Submissions (2):

Labcorp Genetics (formerly Invitae), Labcorp
Classification: Uncertain significance for Combined immunodeficiency due to DOCK8 deficiency. Last evaluated: 2022-09-01. Review status: criteria provided, single submitter. Criteria: Invitae Variant Classification Sherloc (09022015). Collection method: clinical testing. Allele origin: germline.
Comment: In summary, the available evidence is currently insufficient to determine the role of this variant in disease. Therefore, it has been classified as a Variant of Uncertain Significance. Algorithms developed to predict the effect of missense changes on protein structure and function output the following: SIFT: "Tolerated"; PolyPhen-2: "Benign"; Align-GVGD: "Class C0". The serine amino acid residue is found in multiple mammalian species, which suggests that this missense change does not adversely affect protein function. ClinVar contains an entry for this variant (Variation ID: 1419869). This variant has not been reported in the literature in individuals affected with DOCK8-related conditions. This variant is present in population databases (rs776173320, gnomAD 0.03%). This sequence change replaces alanine, which is neutral and non-polar, with serine, which is neutral and polar, at codon 768 of the DOCK8 protein (p.Ala768Ser).

PreventionGenetics, part of Exact Sciences
Classification: Uncertain significance for DOCK8-related condition. Last evaluated: 2024-06-24. Review status: no assertion criteria provided. Collection method: clinical testing. Allele origin: germline. Not counted in ClinVar's aggregate classification.
Comment: The DOCK8 c.2302G>T variant is predicted to result in the amino acid substitution p.Ala768Ser. To our knowledge, this variant has not been reported in the literature. This variant is reported in 0.029% of alleles in individuals of South Asian descent in gnomAD. At this time, the clinical significance of this variant is uncertain due to the absence of conclusive functional and genetic evidence.